The following is an entry in ClinVar:

NM_018136.5(ASPM):c.9626T>C (p.Ile3209Thr)

Gene: ASPM (assembly factor for spindle microtubules; minus strand). Cytogenetic location: 1q31.3.
Variant type: single nucleotide variant.
Coding change: c.9626T>C on transcript NM_018136.5 (MANE Select); coding-DNA position 9626, T replaced by C.
Protein change: p.Ile3209Thr; replaces isoleucine 3209 with threonine.
Molecular consequence: missense variant.
Genome position (GRCh38, 1-based): chr1:197,090,860, A>G on the plus strand (T>C on the coding strand, the complement: ASPM is on the minus strand). VCF-style: chr1-197090860-A-G. GRCh37 (hg19) VCF-style: chr1-197059990-A-G.
Other names: c.4871T>C, p.Ile1624Thr (NM_001206846.2); short protein forms I3209T, I1624T.
Identifiers: ClinVar variation 389308 (VCV000389308.2), dbSNP rs1057523398, ClinGen allele CA16603499.
Genomic context (GRCh38, chr1:197,090,860, plus strand): 5'-ATGAATTGCAAACTAAAGTTTTGAACTAAAACTATACAAGTTTCAATTACCTGAATTTTA[A>G]TGATTCCACTAGTGAATTTTTCCTGCTTTTTACGGAGGAGAAAATGGCGCACTGCTTTCT-3'
Protein context (NP_060606.3, residues 3199-3219): KKQEKFTSGI[Ile3209Thr]KIQALWRGYS

ClinVar aggregate classification (germline): Likely benign. Review status: criteria provided, multiple submitters, no conflicts (2 of 4 stars). 2 submissions from 2 submitters: Likely benign (2). Last evaluated 2023-12-20.

Conditions:
Inborn genetic diseases. Identifiers: MedGen C0950123, MeSH D030342.

Allele frequency attached by ClinVar (database versions not stated): gnomAD exomes 0.00002.
gnomAD v4.1: 16 of 1,612,654 alleles (0.00099%); highest among the groups gnomAD compares: South Asian, 0.015%; no homozygotes.

Submissions (2):

Ambry Genetics
Classification: Likely benign for Inborn genetic diseases. Last evaluated: 2023-12-20. Review status: criteria provided, single submitter. Criteria: Ambry Variant Classification Scheme 2023. Collection method: clinical testing. Allele origin: germline.

GeneDx
Classification: Likely benign. Last evaluated: 2016-09-22. Review status: criteria provided, single submitter. Criteria: GeneDx Variant Classification (06012015). Collection method: clinical testing. Allele origin: germline. Affected: yes.
Comment: This variant is considered likely benign or benign based on one or more of the following criteria: it is a conservative change, it occurs at a poorly conserved position in the protein, it is predicted to be benign by multiple in silico algorithms, and/or has population frequency not consistent with disease.